The following is an entry in ClinVar:

ClinVar aggregate classification (germline): Likely pathogenic (1 of 4 stars; one submission).

Conditions:
CHD7-related disorder. Also called: CHD7-related condition.

Submission:

PreventionGenetics, part of Exact Sciences
Classification: Likely pathogenic for CHD7-related condition. Last evaluated: 2025-02-21. Review status: criteria provided, single submitter. Criteria: ACMG Guidelines, 2015. Collection method: clinical testing. Allele origin: germline.
Comment: The CHD7 c.6104-1G>A variant is predicted to disrupt the AG splice acceptor site and interfere with normal splicing. This variant was reported in a fetus with CHARGE syndrome (Table 2, Qiao et al. 2021. PubMed ID: 33142350). This variant has not been reported in a large population database (gnomAD), indicating this variant is rare. Variants that disrupt the consensus splice acceptor site in CHD7 are expected to be pathogenic. This variant is interpreted as likely pathogenic.

NM_017780.4(CHD7):c.6104-1G>A

Gene: CHD7 (chromodomain helicase DNA binding protein 7; plus strand). Cytogenetic location: 8q12.2.
Variant type: single nucleotide variant.
Coding change: c.6104-1G>A on transcript NM_017780.4 (MANE Select); the canonical splice acceptor site of the intron before coding-DNA position 6104, G replaced by A.
Molecular consequence: splice acceptor variant. On other transcripts: intron variant (1).
Genome position (GRCh38, 1-based): chr8:60,852,828, G>A. VCF-style: chr8-60852828-G-A. GRCh37 (hg19) VCF-style: chr8-61765387-G-A.
Other names: c.1717-9401G>A (NM_001316690.1).
Identifiers: ClinVar variation 4983427 (VCV004983427.1).